The following is an entry in ClinVar:

NM_006514.4(SCN10A):c.3041G>A (p.Gly1014Glu)

Genes: SCN10A (sodium voltage-gated channel alpha subunit 10; minus strand), LOC110121288 (VISTA enhancer hs2268; plus strand). Cytogenetic location: 3p22.2.
Variant type: single nucleotide variant.
Coding change: c.3041G>A on transcript NM_006514.4 (MANE Select); coding-DNA position 3041, G replaced by A.
Protein change: p.Gly1014Glu; replaces glycine 1014 with glutamic acid.
Molecular consequence: missense variant.
Genome position (GRCh38, 1-based): chr3:38,726,652, C>T on the plus strand (G>A on the coding strand, the complement: SCN10A is on the minus strand). VCF-style: chr3-38726652-C-T. GRCh37 (hg19) VCF-style: chr3-38768143-C-T.
Other names: c.3041G>A, p.Gly1014Glu (NM_001293306.2); c.2747G>A, p.Gly916Glu (NM_001293307.2); short protein forms G1014E, G916E.
Identifiers: ClinVar variation 1799166 (VCV001799166.4), dbSNP rs1237617535, ClinGen allele CA352157306.

ClinVar aggregate classification (germline): Uncertain significance. Review status: criteria provided, multiple submitters, no conflicts (2 of 4 stars). 2 submissions from 2 submitters: Uncertain significance (2). Last evaluated 2024-12-30.

Conditions:
Brugada syndrome. Also called: Sudden unexpected nocturnal death syndrome; Sudden unexplained nocturnal death syndrome; Sudden Unexplained Death Syndrome; Sudden Unexplained Nocturnal Death Syndrome (SUNDS). Identifiers: Orphanet 130, MedGen C1142166, MONDO:0015263.
Cardiovascular phenotype. Identifiers: MedGen CN230736.

gnomAD v4.1: 6 of 1,604,488 alleles (0.00037%); highest among the groups gnomAD compares: Non-Finnish European, 0.00043%; no homozygotes.

Submissions (2):

Labcorp Genetics (formerly Invitae), Labcorp
Classification: Uncertain significance for Brugada syndrome. Last evaluated: 2024-12-30. Review status: criteria provided, single submitter. Criteria: Invitae Variant Classification Sherloc (09022015). Collection method: clinical testing. Allele origin: germline.
Comment: This sequence change replaces glycine, which is neutral and non-polar, with glutamic acid, which is acidic and polar, at codon 1014 of the SCN10A protein (p.Gly1014Glu). This variant is present in population databases (no rsID available, gnomAD 0.0009%). This variant has not been reported in the literature in individuals affected with SCN10A-related conditions. ClinVar contains an entry for this variant (Variation ID: 1799166). Invitae Evidence Modeling of protein sequence and biophysical properties (such as structural, functional, and spatial information, amino acid conservation, physicochemical variation, residue mobility, and thermodynamic stability) indicates that this missense variant is not expected to disrupt SCN10A protein function with a negative predictive value of 80%. In summary, the available evidence is currently insufficient to determine the role of this variant in disease. Therefore, it has been classified as a Variant of Uncertain Significance.

Ambry Genetics
Classification: Uncertain significance for Cardiovascular phenotype. Last evaluated: 2020-02-04. Review status: criteria provided, single submitter. Criteria: Ambry Variant Classification Scheme 2023. Collection method: clinical testing. Allele origin: germline.
Comment: The p.G1014E variant (also known as c.3041G>A), located in coding exon 16 of the SCN10A gene, results from a G to A substitution at nucleotide position 3041. The glycine at codon 1014 is replaced by glutamic acid, an amino acid with similar properties. This amino acid position is not well conserved in available vertebrate species. In addition, this alteration is predicted to be tolerated by in silico analysis. Since supporting evidence is limited at this time, the clinical significance of this alteration remains unclear.